The following is an entry in ClinVar:

ClinVar aggregate classification (germline): Uncertain significance (1 of 4 stars; one submission).

Conditions:
Nephronophthisis 16 (NPHP16). Identifiers: Orphanet 655, MedGen C3809320, MONDO:0014158, OMIM 615382.

gnomAD v4.1: 9 of 1,614,038 alleles (0.00056%); highest among the groups gnomAD compares: Non-Finnish European, 0.00068%; no homozygotes.

Submission:

Labcorp Genetics (formerly Invitae), Labcorp
Classification: Uncertain significance for Nephronophthisis 16. Last evaluated: 2022-07-18. Review status: criteria provided, single submitter. Criteria: Invitae Variant Classification Sherloc (09022015). Collection method: clinical testing. Allele origin: germline.
Comment: This sequence change replaces proline, which is neutral and non-polar, with alanine, which is neutral and non-polar, at codon 503 of the ANKS6 protein (p.Pro503Ala). In summary, the available evidence is currently insufficient to determine the role of this variant in disease. Therefore, it has been classified as a Variant of Uncertain Significance. Algorithms developed to predict the effect of missense changes on protein structure and function (SIFT, PolyPhen-2, Align-GVGD) all suggest that this variant is likely to be tolerated. ClinVar contains an entry for this variant (Variation ID: 959443). This variant has not been reported in the literature in individuals affected with ANKS6-related conditions. This variant is not present in population databases (gnomAD no frequency).

NM_173551.5(ANKS6):c.1507C>G (p.Pro503Ala)

Gene: ANKS6 (ankyrin repeat and sterile alpha motif domain containing 6; minus strand). Cytogenetic location: 9q22.33.
Variant type: single nucleotide variant.
Coding change: c.1507C>G on transcript NM_173551.5 (MANE Select); coding-DNA position 1507, C replaced by G.
Protein change: p.Pro503Ala; replaces proline 503 with alanine.
Molecular consequence: missense variant.
Genome position (GRCh38, 1-based): chr9:98,778,286, G>C on the plus strand (C>G on the coding strand, the complement: ANKS6 is on the minus strand). VCF-style: chr9-98778286-G-C. GRCh37 (hg19) VCF-style: chr9-101540568-G-C.
Other names: short protein forms P503A.
Identifiers: ClinVar variation 959443 (VCV000959443.8), dbSNP rs200049920, ClinGen allele CA196814051.